The following is an entry in ClinVar:

ClinVar aggregate classification (germline): Uncertain significance (1 of 4 stars; one submission).

Conditions:
Myasthenic syndrome, congenital, 22 (CMS22). Also called: PREPL DEFICIENCY. Identifiers: MedGen C4479088, MONDO:0044299, OMIM 616224.

Allele frequency attached by ClinVar (database versions not stated): gnomAD 0.00001; gnomAD exomes 0.00001; ExAC 0.00002; TOPMed 0.00002; ESP Exome Variant Server 0.00008.
gnomAD v4.1: 22 of 1,612,344 alleles (0.0014%); highest among the groups gnomAD compares: East Asian, 0.0045%; no homozygotes.

Submission:

Labcorp Genetics (formerly Invitae), Labcorp
Classification: Uncertain significance for Myasthenic syndrome, congenital, 22. Last evaluated: 2022-08-01. Review status: criteria provided, single submitter. Criteria: Invitae Variant Classification Sherloc (09022015). Collection method: clinical testing. Allele origin: germline.
Comment: This sequence change replaces arginine, which is basic and polar, with cysteine, which is neutral and slightly polar, at codon 226 of the PREPL protein (p.Arg226Cys). The frequency data for this variant in the population databases is considered unreliable, as metrics indicate poor data quality at this position in the gnomAD database. This variant has not been reported in the literature in individuals affected with PREPL-related conditions. Algorithms developed to predict the effect of missense changes on protein structure and function (SIFT, PolyPhen-2, Align-GVGD) all suggest that this variant is likely to be disruptive. In summary, the available evidence is currently insufficient to determine the role of this variant in disease. Therefore, it has been classified as a Variant of Uncertain Significance.

NM_001171613.2(PREPL):c.409C>T (p.Arg137Cys)

Gene: PREPL (prolyl endopeptidase like; minus strand). Cytogenetic location: 2p21.
Variant type: single nucleotide variant.
Coding change: c.409C>T on transcript NM_001171613.2 (MANE Select); coding-DNA position 409, C replaced by T.
Protein change: p.Arg137Cys; replaces arginine 137 with cysteine.
Molecular consequence: missense variant.
Genome position (GRCh38, 1-based): chr2:44,342,493, G>A on the plus strand (C>T on the coding strand, the complement: PREPL is on the minus strand). VCF-style: chr2-44342493-G-A. GRCh37 (hg19) VCF-style: chr2-44569632-G-A.
Other names: c.676C>T, p.Arg226Cys (NM_001042385.2, NM_001042386.2, NM_001171603.1 and 4 more transcripts); c.409C>T, p.Arg137Cys (NM_001171617.1, NM_001374277.1); short protein forms R137C, R226C.
Identifiers: ClinVar variation 2171329 (VCV002171329.1), dbSNP rs375885862, ClinGen allele CA1641485.